The following is an entry in ClinVar:

ClinVar aggregate classification (germline): Uncertain significance (1 of 4 stars; one submission).

Conditions:
MYT1L-related disorder. Also called: MYT1L-related condition.

Submission:

PreventionGenetics, part of Exact Sciences
Classification: Uncertain significance for MYT1L-related condition. Last evaluated: 2022-11-16. Review status: criteria provided, single submitter. Criteria: ACMG Guidelines, 2015. Collection method: clinical testing. Allele origin: germline.
Comment: The MYT1L c.2T>A variant is predicted to disrupt the translation initiation site (Start loss). To our knowledge, this variant has not been reported in the literature or in a large population database, indicating this variant is rare. At this time, the clinical significance of this variant is uncertain due to the absence of conclusive functional and genetic evidence.

NM_001303052.2(MYT1L):c.2T>A (p.Met1Lys)

Gene: MYT1L (myelin transcription factor 1 like; minus strand). Cytogenetic location: 2p25.3.
Variant type: single nucleotide variant.
Coding change: c.2T>A on transcript NM_001303052.2 (MANE Select); coding-DNA position 2, T replaced by A.
Protein change: p.Met1Lys; changes the start codon (methionine 1).
Molecular consequence: missense variant, initiator codon variant.
Genome position (GRCh38, 1-based): chr2:1,979,776, A>T on the plus strand (T>A on the coding strand, the complement: MYT1L is on the minus strand). VCF-style: chr2-1979776-A-T. GRCh37 (hg19) VCF-style: chr2-1983548-A-T.
Other names: c.2T>A, p.Met1Lys (NM_001329844.2, NM_001329845.1, NM_001329846.3 and 6 more transcripts); short protein forms M1K.
Identifiers: ClinVar variation 2635546 (VCV002635546.1), dbSNP rs2551233451, ClinGen allele CA345865161.